The following is an entry in ClinVar:

ClinVar aggregate classification (germline): Uncertain significance (1 of 4 stars; one submission).

Allele frequency attached by ClinVar (database versions not stated): ExAC 0.00001; gnomAD 0.00001; gnomAD exomes 0.00001; TOPMed 0.00002.

Submission:

Labcorp Genetics (formerly Invitae), Labcorp
Classification: Uncertain significance. Last evaluated: 2024-11-11. Review status: criteria provided, single submitter. Criteria: Invitae Variant Classification Sherloc (09022015). Collection method: clinical testing. Allele origin: germline.
Comment: This sequence change replaces proline, which is neutral and non-polar, with serine, which is neutral and polar, at codon 1567 of the ABCA4 protein (p.Pro1567Ser). This variant is present in population databases (rs777311970, gnomAD 0.002%). This variant has not been reported in the literature in individuals affected with ABCA4-related conditions. ClinVar contains an entry for this variant (Variation ID: 1024546). Invitae Evidence Modeling of protein sequence and biophysical properties (such as structural, functional, and spatial information, amino acid conservation, physicochemical variation, residue mobility, and thermodynamic stability) has been performed for this missense variant. However, the output from this modeling did not meet the statistical confidence thresholds required to predict the impact of this variant on ABCA4 protein function. In summary, the available evidence is currently insufficient to determine the role of this variant in disease. Therefore, it has been classified as a Variant of Uncertain Significance.

NM_000350.3(ABCA4):c.4699C>T (p.Pro1567Ser)

Genes: ABCA4 (ATP binding cassette subfamily A member 4; minus strand), LOC126805793 (CDK7 strongly-dependent group 2 enhancer GRCh37_chr1:94486302-94487501; plus strand). Cytogenetic location: 1p22.1.
Variant type: single nucleotide variant.
Coding change: c.4699C>T on transcript NM_000350.3 (MANE Select); coding-DNA position 4699, C replaced by T.
Protein change: p.Pro1567Ser; replaces proline 1567 with serine.
Molecular consequence: missense variant.
Genome position (GRCh38, 1-based): chr1:94,021,920, G>A on the plus strand (C>T on the coding strand, the complement: ABCA4 is on the minus strand). VCF-style: chr1-94021920-G-A. GRCh37 (hg19) VCF-style: chr1-94487476-G-A.
Other names: c.4477C>T, p.Pro1493Ser (NM_001425324.1); short protein forms P1567S, P1493S.
Identifiers: ClinVar variation 1024546 (VCV001024546.8), dbSNP rs777311970, ClinGen allele CA957511.